The following is an entry in ClinVar:

NM_006206.6(PDGFRA):c.808A>G (p.Lys270Glu)

Gene: PDGFRA (platelet derived growth factor receptor alpha; plus strand). Cytogenetic location: 4q12.
Variant type: single nucleotide variant.
Coding change: c.808A>G on transcript NM_006206.6 (MANE Select); coding-DNA position 808, A replaced by G.
Protein change: p.Lys270Glu; replaces lysine 270 with glutamic acid.
Molecular consequence: missense variant.
Genome position (GRCh38, 1-based): chr4:54,267,337, A>G. VCF-style: chr4-54267337-A-G. GRCh37 (hg19) VCF-style: chr4-55133504-A-G.
Other names: c.808A>G, p.Lys270Glu (NM_001347827.2, NM_001347829.2); c.883A>G, p.Lys295Glu (NM_001347828.2); c.847A>G, p.Lys283Glu (NM_001347830.2); short protein forms K270E, K295E, K283E.
Identifiers: ClinVar variation 2176072 (VCV002176072.4), dbSNP rs1263572484, ClinGen allele CA356891152.

ClinVar aggregate classification (germline): Uncertain significance (1 of 4 stars; one submission).

Conditions:
Gastrointestinal stromal tumor. Also called: Gastrointestinal stroma tumor; Gastrointestinal stromal tumor, somatic. Identifiers: Orphanet 44890, MedGen C0238198, MeSH D046152, MONDO:0011719, OMIM 606764, HP:0100723.

Allele frequency attached by ClinVar (database versions not stated): TOPMed below 0.00001; gnomAD 0.00001.
gnomAD v4.1: 1 of 1,614,060 alleles (0.000062%); highest among the groups gnomAD compares: Admixed American, 0.0017%; no homozygotes.

Submission:

Labcorp Genetics (formerly Invitae), Labcorp
Classification: Uncertain significance for Gastrointestinal stromal tumor. Last evaluated: 2022-05-09. Review status: criteria provided, single submitter. Criteria: Invitae Variant Classification Sherloc (09022015). Collection method: clinical testing. Allele origin: germline.
Comment: In summary, the available evidence is currently insufficient to determine the role of this variant in disease. Therefore, it has been classified as a Variant of Uncertain Significance. Algorithms developed to predict the effect of missense changes on protein structure and function (SIFT, PolyPhen-2, Align-GVGD) all suggest that this variant is likely to be tolerated. This variant has not been reported in the literature in individuals affected with PDGFRA-related conditions. This variant is not present in population databases (gnomAD no frequency). This sequence change replaces lysine, which is basic and polar, with glutamic acid, which is acidic and polar, at codon 270 of the PDGFRA protein (p.Lys270Glu).